The following is an entry in ClinVar:

NM_031921.6(ATAD3B):c.571A>G (p.Thr191Ala)

Gene: ATAD3B (ATPase family AAA domain containing 3B; plus strand). Cytogenetic location: 1p36.33.
Variant type: single nucleotide variant.
Coding change: c.571A>G on transcript NM_031921.6 (MANE Select); coding-DNA position 571, A replaced by G.
Protein change: p.Thr191Ala; replaces threonine 191 with alanine.
Molecular consequence: missense variant.
Genome position (GRCh38, 1-based): chr1:1,482,194, A>G. VCF-style: chr1-1482194-A-G. GRCh37 (hg19) VCF-style: chr1-1417574-A-G.
Other names: c.433A>G, p.Thr145Ala (NM_001317238.2); short protein forms T145A, T191A.
Identifiers: ClinVar variation 2638015 (VCV002638015.24), dbSNP rs747464654, ClinGen allele CA524409.
Genomic context (GRCh38, chr1:1,482,194, plus strand): 5'-GCAGCCACCGTGGAGCGGGAGATGGAGCTGCGGCACAAGAATGAGATGCTGCGAGTGGAG[A>G]CCGAGGCCCGGGCGCGCGCCAAGGCCGAGCGGGAGAATGCAGACATCATCCGCGAGCAGA-3'
Protein context (NP_114127.3, residues 181-201): RHKNEMLRVE[Thr191Ala]EARARAKAER

ClinVar aggregate classification (germline): Likely benign (1 of 4 stars; one submission).

Allele frequency attached by ClinVar (database versions not stated): ExAC 0.00078; gnomAD exomes 0.00139; gnomAD 0.00242; 1000 Genomes Project 30x 0.00281.
gnomAD v4.1: 2,391 of 1,606,840 alleles (0.15%); highest among the groups gnomAD compares: African/African-American, 0.26%; 64 homozygotes.

Submission:

CeGaT Center for Human Genetics Tuebingen
Classification: Likely benign. Last evaluated: 2023-03-01. Review status: criteria provided, single submitter. Criteria: CeGaT Center For Human Genetics Tuebingen Variant Classification Criteria Version 2. Collection method: clinical testing. Allele origin: germline. Affected: yes. Observed: 1 variant allele.
Comment: ATAD3B: BS2